The following is an entry in ClinVar:

ClinVar aggregate classification (germline): Conflicting classifications of pathogenicity. Review status: criteria provided, conflicting classifications (1 of 4 stars). 5 submissions from 5 submitters: Uncertain significance (3); Likely benign (2). Last evaluated 2026-05-15.

Conditions:
LMF1-related disorder. Also called: LMF1-related condition.
Lipase deficiency, combined. Also called: LIPOPROTEIN LIPASE DEFICIENCY WITH HEPATIC TRIGLYCERIDE LIPASE DEFICIENCY; LPL AND HL DEFICIENCY; LPL AND HTGL DEFICIENCY. Identifiers: Orphanet 535453, MedGen C1855498, MONDO:0009527, OMIM 246650.
Cardiovascular phenotype. Identifiers: MedGen CN230736.

Allele frequency attached by ClinVar (database versions not stated): 1000 Genomes Project 0.00160; 1000 Genomes Project 30x 0.00203.
gnomAD v4.1: 236 of 1,612,942 alleles (0.015%); highest among the groups gnomAD compares: East Asian, 0.49%; no homozygotes.

Submissions (5):

PreventionGenetics, part of Exact Sciences
Classification: Uncertain significance for LMF1-related condition. Last evaluated: 2026-05-15. Review status: criteria provided, single submitter. Criteria: ACMG Guidelines, 2015. Collection method: clinical testing. Allele origin: germline.
Comment: The LMF1 c.1184C>T variant is predicted to result in the amino acid substitution p.Thr395Ile. This variant has been reported in individuals with hypertriglyceridemia (Table S2, Jin et al. 2018. PubMed ID: 30420299; Liu et al. 2018. PubMed ID: 29910226; Plengpanich et al. 2020. PubMed ID: 32190547). This variant is reported in 0.60% of alleles in individuals of East Asian descent in gnomAD. At this time, the clinical significance of this variant is uncertain due to the absence of conclusive functional and genetic evidence.

Labcorp Genetics (formerly Invitae), Labcorp
Classification: Likely benign. Last evaluated: 2025-11-25. Review status: criteria provided, single submitter. Criteria: Invitae Variant Classification Sherloc (09022015). Collection method: clinical testing. Allele origin: germline.

GeneDx
Classification: Uncertain significance. Last evaluated: 2022-05-24. Review status: criteria provided, single submitter. Criteria: GeneDx Variant Classification Process June 2021. Collection method: clinical testing. Allele origin: germline. Affected: yes.
Comment: Identified in patients with severe hypertriglyceridemia in published literature; however, only one patient was reported to harbor another LMF1 variant trans, the pathogenicity of which is unknown (Jin et al., 2018; Liu et al., 2019; Plengpanich et al., 2020); In silico analysis supports that this missense variant has a deleterious effect on protein structure/function; This variant is associated with the following publications: (PMID: 29910226, 32190547, 30420299)

New York Genome Center
Classification: Uncertain significance for Lipase deficiency, combined. Last evaluated: 2022-03-04. Review status: criteria provided, single submitter. Criteria: NYGC Assertion Criteria 2020. Collection method: clinical testing. Allele origin: germline. Observed: 1 heterozygote.

Ambry Genetics
Classification: Likely benign for Cardiovascular phenotype. Last evaluated: 2020-04-21. Review status: criteria provided, single submitter. Criteria: Ambry Variant Classification Scheme 2023. Collection method: clinical testing. Allele origin: germline.

Literature cited by the submitters: PubMed 29910226 (cited by Ambry Genetics); PubMed 30420299 (cited by Ambry Genetics); PubMed 32190547 (cited by Ambry Genetics).

NM_022773.4(LMF1):c.1184C>T (p.Thr395Ile)

Gene: LMF1 (lipase maturation factor 1; minus strand). Cytogenetic location: 16p13.3.
Variant type: single nucleotide variant.
Coding change: c.1184C>T on transcript NM_022773.4 (MANE Select); coding-DNA position 1184, C replaced by T.
Protein change: p.Thr395Ile; replaces threonine 395 with isoleucine.
Molecular consequence: missense variant. On other transcripts: non-coding transcript variant (1).
Genome position (GRCh38, 1-based): chr16:870,777, G>A on the plus strand (C>T on the coding strand, the complement: LMF1 is on the minus strand). VCF-style: chr16-870777-G-A. GRCh37 (hg19) VCF-style: chr16-920777-G-A.
Other names: c.533C>T, p.Thr178Ile (NM_001352017.2, NM_001352021.2); c.785C>T, p.Thr262Ile (NM_001352018.2); c.857C>T, p.Thr286Ile (NM_001352019.2); c.1184C>T, p.Thr395Ile (NM_001352020.1); short protein forms T178I, T286I, T262I, T395I.
Identifiers: ClinVar variation 1742994 (VCV001742994.8), dbSNP rs186694298, ClinGen allele CA7797150.
Genomic context (GRCh38, chr16:870,777, plus strand): 5'-CCAGGCTCATACCTTCCGAAGGCCCCGTAAGTGTTGACGATGTGAAGAGAGTTGAAGTGG[G>A]TGTTCATGACCTGCCTGGAGCTCAGCAAGTTGAGGACCACGGGCACGCTGAGCCAGGCCA-3'
Protein context (NP_073610.2, residues 385-405): NLLSSRQVMN[Thr395Ile]HFNSLHIVNT